The following is an entry in ClinVar:

NM_004944.4(DNASE1L3):c.355T>C (p.Tyr119His)

Gene: DNASE1L3 (deoxyribonuclease 1L3; minus strand). Cytogenetic location: 3p14.3.
Variant type: single nucleotide variant.
Coding change: c.355T>C on transcript NM_004944.4 (MANE Select); coding-DNA position 355, T replaced by C.
Protein change: p.Tyr119His; replaces tyrosine 119 with histidine.
Molecular consequence: missense variant.
Genome position (GRCh38, 1-based): chr3:58,204,847, A>G on the plus strand (T>C on the coding strand, the complement: DNASE1L3 is on the minus strand). VCF-style: chr3-58204847-A-G. GRCh37 (hg19) VCF-style: chr3-58190574-A-G.
Other names: c.265T>C, p.Tyr89His (NM_001256560.2); short protein forms Y89H, Y119H.
Identifiers: ClinVar variation 1525615 (VCV001525615.5), dbSNP rs762504966, ClinGen allele CA2470030.

ClinVar aggregate classification (germline): Uncertain significance. Review status: criteria provided, multiple submitters, no conflicts (2 of 4 stars). 2 submissions from 2 submitters: Uncertain significance (2). Last evaluated 2024-05-08.

Conditions:
Autosomal systemic lupus erythematosus type 16. Also called: Systemic lupus erythematosus 16. Identifiers: Orphanet 300345, MedGen C3280742, MONDO:0013743, OMIM 614420.

Allele frequency attached by ClinVar (database versions not stated): gnomAD exomes below 0.00001 and 0.00001; ExAC 0.00001; gnomAD 0.00003; TOPMed 0.00005.
gnomAD v4.1: 8 of 1,614,104 alleles (0.0005%); highest among the groups gnomAD compares: African/African-American, 0.008%; no homozygotes.

Submissions (2):

Fulgent Genetics
Classification: Uncertain significance for Autosomal systemic lupus erythematosus type 16. Last evaluated: 2024-05-08. Review status: criteria provided, single submitter. Criteria: ACMG Guidelines, 2015. Collection method: clinical testing. Allele origin: germline.

Labcorp Genetics (formerly Invitae), Labcorp
Classification: Uncertain significance. Last evaluated: 2022-08-31. Review status: criteria provided, single submitter. Criteria: Invitae Variant Classification Sherloc (09022015). Collection method: clinical testing. Allele origin: germline.
Comment: In summary, the available evidence is currently insufficient to determine the role of this variant in disease. Therefore, it has been classified as a Variant of Uncertain Significance. Algorithms developed to predict the effect of missense changes on protein structure and function (SIFT, PolyPhen-2, Align-GVGD) all suggest that this variant is likely to be disruptive. ClinVar contains an entry for this variant (Variation ID: 1525615). This variant has not been reported in the literature in individuals affected with DNASE1L3-related conditions. This variant is present in population databases (rs762504966, gnomAD 0.008%). This sequence change replaces tyrosine, which is neutral and polar, with histidine, which is basic and polar, at codon 119 of the DNASE1L3 protein (p.Tyr119His).